The following is an entry in ClinVar:

ClinVar aggregate classification (germline): Conflicting classifications of pathogenicity. Review status: criteria provided, conflicting classifications (1 of 4 stars). 4 submissions from 4 submitters: Uncertain significance (2); Likely benign (1). 1 of the submissions does not count toward it. Last evaluated 2025-06-17.

Conditions:
Glycogen storage disease, type II (IOPD). Also called: POMPE DISEASE, INFANTILE-ONSET; GLYCOGEN STORAGE DISEASE II, INFANTILE-ONSET; ACID ALPHA-GLUCOSIDASE DEFICIENCY, INFANTILE-ONSET; GAA DEFICIENCY, INFANTILE-ONSET; ACID MALTASE DEFICIENCY, INFANTILE-ONSET; GLYCOGENOSIS, GENERALIZED, CARDIAC FORM. Identifiers: Orphanet 365, MedGen C0017921, MONDO:0009290, OMIM 232300.
Cardiovascular phenotype. Identifiers: MedGen CN230736.

Allele frequency attached by ClinVar (database versions not stated): ExAC 0.00003; TOPMed 0.00007; 1000 Genomes Project 30x 0.00016; 1000 Genomes Project 0.00020; gnomAD exomes 0.00003; gnomAD 0.00005.

Submissions (4):

Ambry Genetics
Classification: Likely benign for Cardiovascular phenotype. Last evaluated: 2025-06-17. Review status: criteria provided, single submitter. Criteria: Ambry Variant Classification Scheme 2023. Collection method: clinical testing. Allele origin: germline.

Revvity Omics, Revvity
Classification: Uncertain significance. Last evaluated: 2025-05-15. Review status: criteria provided, single submitter. Criteria: ACMG Guidelines, 2015. Collection method: clinical testing. Allele origin: germline.

Labcorp Genetics (formerly Invitae), Labcorp
Classification: Uncertain significance for Glycogen storage disease, type II. Last evaluated: 2022-10-05. Review status: criteria provided, single submitter. Criteria: Invitae Variant Classification Sherloc (09022015). Collection method: clinical testing. Allele origin: germline.
Comment: This sequence change replaces arginine, which is basic and polar, with histidine, which is basic and polar, at codon 891 of the GAA protein (p.Arg891His). This variant is present in population databases (rs199524847, gnomAD 0.02%). This variant has not been reported in the literature in individuals affected with GAA-related conditions. ClinVar contains an entry for this variant (Variation ID: 654458). Advanced modeling of protein sequence and biophysical properties (such as structural, functional, and spatial information, amino acid conservation, physicochemical variation, residue mobility, and thermodynamic stability) performed at Invitae indicates that this missense variant is not expected to disrupt GAA protein function. In summary, the available evidence is currently insufficient to determine the role of this variant in disease. Therefore, it has been classified as a Variant of Uncertain Significance.

Natera, Inc.
Classification: Uncertain significance for Glycogen storage disease type II. Last evaluated: 2020-02-21. Review status: no assertion criteria provided. Collection method: clinical testing. Allele origin: germline. Not counted in ClinVar's aggregate classification.

NM_000152.5(GAA):c.2672G>A (p.Arg891His)

Gene: GAA (alpha glucosidase; plus strand). Cytogenetic location: 17q25.3.
Variant type: single nucleotide variant.
Coding change: c.2672G>A on transcript NM_000152.5 (MANE Select); coding-DNA position 2672, G replaced by A.
Protein change: p.Arg891His; replaces arginine 891 with histidine.
Molecular consequence: missense variant.
Genome position (GRCh38, 1-based): chr17:80,118,678, G>A. VCF-style: chr17-80118678-G-A. GRCh37 (hg19) VCF-style: chr17-78092477-G-A.
Other names: c.2672G>A (LRG_673t1); c.2672G>A, p.Arg891His (NM_001079803.3, NM_001079804.3); short protein forms R891H.
Identifiers: ClinVar variation 654458 (VCV000654458.12), dbSNP rs199524847, ClinGen allele CA8815833.